The following is an entry in ClinVar:

NM_030662.4(MAP2K2):c.1198G>T (p.Val400Leu)

Gene: MAP2K2 (mitogen-activated protein kinase kinase 2; minus strand). Cytogenetic location: 19p13.3.
Variant type: single nucleotide variant.
Coding change: c.1198G>T on transcript NM_030662.4 (MANE Select); coding-DNA position 1198, G replaced by T.
Protein change: p.Val400Leu; replaces valine 400 with leucine.
Molecular consequence: missense variant.
Genome position (GRCh38, 1-based): chr19:4,090,603, C>A on the plus strand (G>T on the coding strand, the complement: MAP2K2 is on the minus strand). VCF-style: chr19-4090603-C-A. GRCh37 (hg19) VCF-style: chr19-4090601-C-A.
Other names: short protein forms V400L.
Identifiers: ClinVar variation 2548628 (VCV002548628.3), dbSNP rs533247725, ClinGen allele CA403380610.
Genomic context (GRCh38, chr19:4,090,603, plus strand): 5'-CATGGACAGGGACGGTGGGCAGGTCACCAGCGGGACGCAGGGAGCCCGGCCACTGTCACA[C>A]GGCGGTGCGCGTGGGTGTGCCGGGCTGGTTCAGCCGCAGGGTTTTACACAACCAGCCGGC-3'
Protein context (NP_109587.1, residues 390-400): NQPGTPTRTA[Val400Leu]

ClinVar aggregate classification (germline): Conflicting classifications of pathogenicity. Review status: criteria provided, conflicting classifications (1 of 4 stars). 2 submissions from 2 submitters: Uncertain significance (1); Likely benign (1). Last evaluated 2024-09-20.

Conditions:
Cardiofaciocutaneous syndrome 4 (CFC4). Also called: MAP2K2-Related Cardiofaciocutaneous Syndrome. Identifiers: Orphanet 1340, MedGen C3809007, MONDO:0014114, OMIM 615280.
Cardiovascular phenotype. Identifiers: MedGen CN230736.

Submissions (2):

3billion
Classification: Likely benign for Cardiofaciocutaneous syndrome 4. Last evaluated: 2024-09-20. Review status: criteria provided, single submitter. Criteria: ACMG Guidelines, 2015. Collection method: clinical testing. Allele origin: germline. Affected: no.
Comment: The variant was identified in at least one patient who was diagnosed with a different variant in another gene and showed no symptoms related to the gene containing the variant in question.

Ambry Genetics
Classification: Uncertain significance for Cardiovascular phenotype. Last evaluated: 2023-05-18. Review status: criteria provided, single submitter. Criteria: Ambry Variant Classification Scheme 2023. Collection method: clinical testing. Allele origin: germline.